The following is an entry in ClinVar:

ClinVar aggregate classification (germline): Uncertain significance (1 of 4 stars; one submission).

Conditions:
Dilated cardiomyopathy 1DD (CMD1DD). Identifiers: Orphanet 154, MedGen C2750995, MONDO:0013168, OMIM 613172.

Submission:

Labcorp Genetics (formerly Invitae), Labcorp
Classification: Uncertain significance for Dilated cardiomyopathy 1DD. Last evaluated: 2021-05-30. Review status: criteria provided, single submitter. Criteria: Invitae Variant Classification Sherloc (09022015). Collection method: clinical testing. Allele origin: germline.
Comment: This variant is not present in population databases (ExAC no frequency). In summary, the available evidence is currently insufficient to determine the role of this variant in disease. Therefore, it has been classified as a Variant of Uncertain Significance. Advanced modeling of protein sequence and biophysical properties (such as structural, functional, and spatial information, amino acid conservation, physicochemical variation, residue mobility, and thermodynamic stability) performed at Invitae indicates that this missense variant is not expected to disrupt RBM20 protein function. This variant has not been reported in the literature in individuals with RBM20-related conditions. This sequence change replaces alanine with valine at codon 1184 of the RBM20 protein (p.Ala1184Val). The alanine residue is weakly conserved and there is a small physicochemical difference between alanine and valine.

NM_001134363.3(RBM20):c.3551C>T (p.Ala1184Val)

Gene: RBM20 (RNA binding motif protein 20; plus strand). Cytogenetic location: 10q25.2.
Variant type: single nucleotide variant.
Coding change: c.3551C>T on transcript NM_001134363.3 (MANE Select); coding-DNA position 3551, C replaced by T.
Protein change: p.Ala1184Val; replaces alanine 1184 with valine.
Molecular consequence: missense variant.
Genome position (GRCh38, 1-based): chr10:110,831,160, C>T. VCF-style: chr10-110831160-C-T. GRCh37 (hg19) VCF-style: chr10-112590918-C-T.
Other names: short protein forms A1184V.
Identifiers: ClinVar variation 1464720 (VCV001464720.8), dbSNP rs2135138718, ClinGen allele CA378386735.